The following is an entry in ClinVar:

ClinVar aggregate classification (germline): Conflicting classifications of pathogenicity. Review status: criteria provided, conflicting classifications (1 of 4 stars). 2 submissions from 2 submitters: Uncertain significance (1); Likely benign (1). Last evaluated 2025-09-10.

Allele frequency attached by ClinVar (database versions not stated): ExAC 0.00002; gnomAD exomes 0.00002 and 0.00004; gnomAD 0.00003; TOPMed 0.00004; ESP Exome Variant Server 0.00008.
gnomAD v4.1: 55 of 1,613,854 alleles (0.0034%); highest among the groups gnomAD compares: Non-Finnish European, 0.0042%; no homozygotes.

Submissions (2):

Labcorp Genetics (formerly Invitae), Labcorp
Classification: Likely benign. Last evaluated: 2025-09-10. Review status: criteria provided, single submitter. Criteria: Invitae Variant Classification Sherloc (09022015). Collection method: clinical testing. Allele origin: germline.

Women's Health and Genetics/Laboratory Corporation of America, LabCorp
Classification: Uncertain significance. Last evaluated: 2024-05-21. Review status: criteria provided, single submitter. Criteria: LabCorp Variant Classification Summary - May 2015. Collection method: clinical testing. Allele origin: germline.
Comment: Variant summary: ABCA1 c.3583C>T (p.Arg1195Trp) results in a non-conservative amino acid change in the encoded protein sequence. Five of five in-silico tools predict a damaging effect of the variant on protein function. The variant allele was found at a frequency of 2e-05 in 251486 control chromosomes. The available data on variant occurrences in the general population are insufficient to allow any conclusion about variant significance. c.3583C>T has been reported in the literature in an individual affected with dyslipidemia (Dron_2020). These report(s) do not provide unequivocal conclusions about association of the variant with Tangier Disease. To our knowledge, no experimental evidence demonstrating an impact on protein function has been reported. The following publication have been ascertained in the context of this evaluation (PMID: 32041611). ClinVar contains an entry for this variant (Variation ID: 1432434). Based on the evidence outlined above, the variant was classified as uncertain significance.

Literature cited by the submitters: PubMed 32041611 (cited by Women's Health and Genetics/Laboratory Corporation of America, LabCorp).

NM_005502.4(ABCA1):c.3583C>T (p.Arg1195Trp)

Gene: ABCA1 (ATP binding cassette subfamily A member 1; minus strand). Cytogenetic location: 9q31.1.
Variant type: single nucleotide variant.
Coding change: c.3583C>T on transcript NM_005502.4 (MANE Select); coding-DNA position 3583, C replaced by T.
Protein change: p.Arg1195Trp; replaces arginine 1195 with tryptophan.
Molecular consequence: missense variant.
Genome position (GRCh38, 1-based): chr9:104,816,298, G>A on the plus strand (C>T on the coding strand, the complement: ABCA1 is on the minus strand). VCF-style: chr9-104816298-G-A. GRCh37 (hg19) VCF-style: chr9-107578579-G-A.
Other names: short protein forms R1195W.
Identifiers: ClinVar variation 1432434 (VCV001432434.6), dbSNP rs375234343, ClinGen allele CA5168386.